The following is an entry in ClinVar:

ClinVar aggregate classification (germline): Uncertain significance (1 of 4 stars; one submission).

Conditions:
Multiple endocrine neoplasia, type 2 (MEN2). Identifiers: Orphanet 653, MedGen C4048306, MONDO:0019003. Disease mechanism: gain of function.

Submission:

Labcorp Genetics (formerly Invitae), Labcorp
Classification: Uncertain significance for Multiple endocrine neoplasia, type 2. Last evaluated: 2024-10-22. Review status: criteria provided, single submitter. Criteria: Invitae Variant Classification Sherloc (09022015). Collection method: clinical testing. Allele origin: germline.
Comment: This sequence change replaces glutamic acid, which is acidic and polar, with lysine, which is basic and polar, at codon 529 of the RET protein (p.Glu529Lys). This variant is not present in population databases (gnomAD no frequency). This variant has not been reported in the literature in individuals affected with RET-related conditions. An algorithm developed to predict the effect of missense changes on protein structure and function (PolyPhen-2) suggests that this variant is likely to be disruptive. In summary, the available evidence is currently insufficient to determine the role of this variant in disease. Therefore, it has been classified as a Variant of Uncertain Significance.

NM_020975.6(RET):c.1585G>A (p.Glu529Lys)

Gene: RET (ret proto-oncogene; plus strand). Cytogenetic location: 10q11.21.
Variant type: single nucleotide variant.
Coding change: c.1585G>A on transcript NM_020975.6 (MANE Select); coding-DNA position 1585, G replaced by A.
Protein change: p.Glu529Lys; replaces glutamic acid 529 with lysine.
Molecular consequence: missense variant.
Genome position (GRCh38, 1-based): chr10:43,112,161, G>A. VCF-style: chr10-43112161-G-A. GRCh37 (hg19) VCF-style: chr10-43607609-G-A.
Other names: c.823G>A, p.Glu275Lys (NM_001355216.2); c.1585G>A, p.Glu529Lys (NM_001406743.1, NM_001406744.1, NM_001406759.1 and 4 more transcripts); c.1456G>A, p.Glu486Lys (NM_001406761.1, NM_001406762.1, NM_001406764.1 and 1 more transcripts); c.1297G>A, p.Glu433Lys (NM_001406766.1, NM_001406767.1, NM_001406770.1); c.1189G>A, p.Glu397Lys (NM_001406769.1, NM_001406772.1); c.1147G>A, p.Glu383Lys (NM_001406771.1, NM_001406773.1); c.1060G>A, p.Glu354Lys (NM_001406774.1); c.859G>A, p.Glu287Lys (NM_001406775.1, NM_001406776.1, NM_001406777.1 and 1 more transcripts); and 5 more; short protein forms E134K, E287K, E529K, E199K, E354K, E383K, E433K, E46K.
Identifiers: ClinVar variation 3719530 (VCV003719530.2).